The following is an entry in ClinVar:

NM_030662.4(MAP2K2):c.515A>G (p.Lys172Arg)

Gene: MAP2K2 (mitogen-activated protein kinase kinase 2; minus strand). Cytogenetic location: 19p13.3.
Variant type: single nucleotide variant.
Coding change: c.515A>G on transcript NM_030662.4 (MANE Select); coding-DNA position 515, A replaced by G.
Protein change: p.Lys172Arg; replaces lysine 172 with arginine.
Molecular consequence: missense variant.
Genome position (GRCh38, 1-based): chr19:4,102,389, T>C on the plus strand (A>G on the coding strand, the complement: MAP2K2 is on the minus strand). VCF-style: chr19-4102389-T-C. GRCh37 (hg19) VCF-style: chr19-4102387-T-C.
Other names: short protein forms K172R.
Identifiers: ClinVar variation 1045343 (VCV001045343.6), dbSNP rs1218364046, ClinGen allele CA403390068.
Genomic context (GRCh38, chr19:4,102,389, plus strand): 5'-CGTGCAGAGTGCGGTGGGGGCGCGATGTGGGTCTGCGGTGGACTCACCGCGATGCTGACT[T>C]TCCCCAGGATCTCCTCGGGAATCCTCTTGGCCTCTTTCAGCACCTGGTCCAGGGAGCCGC-3'
Protein context (NP_109587.1, residues 162-182): AKRIPEEILG[Lys172Arg]VSIAVLRGLA

ClinVar aggregate classification (germline): Uncertain significance (1 of 4 stars; one submission).

Conditions:
RASopathy. Also called: rasopathies; Noonan spectrum disorder. Identifiers: Orphanet 536391, MedGen C5555857, MONDO:0021060.

gnomAD v4.1: 3 of 1,603,532 alleles (0.00019%); highest among the groups gnomAD compares: Non-Finnish European, 0.00026%; no homozygotes.

Submission:

Labcorp Genetics (formerly Invitae), Labcorp
Classification: Uncertain significance for RASopathy. Last evaluated: 2025-11-05. Review status: criteria provided, single submitter. Criteria: Invitae Variant Classification Sherloc (09022015). Collection method: clinical testing. Allele origin: germline.
Comment: This sequence change replaces lysine, which is basic and polar, with arginine, which is basic and polar, at codon 172 of the MAP2K2 protein (p.Lys172Arg). This variant is not present in population databases (gnomAD no frequency). This variant has not been reported in the literature in individuals affected with MAP2K2-related conditions. ClinVar contains an entry for this variant (Variation ID: 1045343). Invitae Evidence Modeling incorporating data from in vitro experimental studies (internal data) indicates that this missense variant is not expected to disrupt MAP2K2 function with a negative predictive value of 95%. In summary, the available evidence is currently insufficient to determine the role of this variant in disease. Therefore, it has been classified as a Variant of Uncertain Significance.